The following is an entry in ClinVar:

NM_002878.4(RAD51D):c.739-1G>C

Genes: RAD51D (RAD51 paralog D; minus strand), RAD51L3-RFFL (RAD51L3-RFFL readthrough; minus strand). Cytogenetic location: 17q12.
Variant type: single nucleotide variant.
Coding change: c.739-1G>C on transcript NM_002878.4 (MANE Select); the canonical splice acceptor site of the intron before coding-DNA position 739, G replaced by C.
Molecular consequence: splice acceptor variant.
Genome position (GRCh38, 1-based): chr17:35,101,366, C>G on the plus strand (G>C on the coding strand, the complement: RAD51D is on the minus strand). VCF-style: chr17-35101366-C-G. GRCh37 (hg19) VCF-style: chr17-33428385-C-G.
Other names: c.403-1G>C (NM_133629.3); c.799-1G>C (NM_001142571.2).
Identifiers: ClinVar variation 919697 (VCV000919697.5), dbSNP rs1555567202, ClinGen allele CA399086996.

ClinVar aggregate classification (germline): Likely pathogenic (1 of 4 stars; one submission).

Conditions:
Hereditary cancer-predisposing syndrome. Also called: Neoplastic Syndromes, Hereditary; Tumor predisposition; Hereditary Cancer Syndrome; Hereditary neoplastic syndrome. Identifiers: Orphanet 140162, MedGen C0027672, MeSH D009386, MONDO:0015356.

Allele frequency attached by ClinVar (database versions not stated): gnomAD exomes below 0.00001.
gnomAD v4.1: 1 of 1,613,508 alleles (0.000062%); highest among the groups gnomAD compares: Non-Finnish European, 0.000085%; no homozygotes.

Submission:

Color Diagnostics, LLC DBA Color Health
Classification: Likely pathogenic for Hereditary cancer-predisposing syndrome. Last evaluated: 2021-10-20. Review status: criteria provided, single submitter. Criteria: ACMG Guidelines, 2015. Collection method: clinical testing. Allele origin: germline.
Comment: This variant causes a G>C nucleotide substitution at the -1 position of intron 8 of the RAD51D gene. Splice site prediction tools suggest that this variant may have a significant impact on RNA splicing. Although this prediction has not been confirmed in published RNA studies, this variant is expected to delete part of the ATPase domain and result in disrupted protein product. To our knowledge, this variant has not been reported in individuals affected with hereditary cancer in the literature. This variant has not been identified in the general population by the Genome Aggregation Database (gnomAD). Loss of RAD51D function is a known mechanism of disease. Based on available evidence, this variant is classified as Likely Pathogenic.